The following is an entry in ClinVar:

NM_000069.3(CACNA1S):c.2551-1G>T

Gene: CACNA1S (calcium voltage-gated channel subunit alpha1 S; minus strand). Cytogenetic location: 1q32.1.
Variant type: single nucleotide variant.
Coding change: c.2551-1G>T on transcript NM_000069.3 (MANE Select); the canonical splice acceptor site of the intron before coding-DNA position 2551, G replaced by T.
Molecular consequence: splice acceptor variant.
Genome position (GRCh38, 1-based): chr1:201,066,994, C>A on the plus strand (G>T on the coding strand, the complement: CACNA1S is on the minus strand). VCF-style: chr1-201066994-C-A. GRCh37 (hg19) VCF-style: chr1-201036122-C-A.
Identifiers: ClinVar variation 4757956 (VCV004757956.1).

ClinVar aggregate classification (germline): Uncertain significance (1 of 4 stars; one submission).

Conditions:
Malignant hyperthermia, susceptibility to, 5 (MHS5). Also called: CACNA1S-Related Malignant Hyperthermia Susceptibility. Identifiers: Orphanet 423, MedGen C1866077, MONDO:0011163, OMIM 601887.

Submission:

Color Diagnostics, LLC DBA Color Health
Classification: Uncertain significance for Malignant hyperthermia, susceptibility to, 5. Last evaluated: 2025-09-10. Review status: criteria provided, single submitter. Criteria: ACMG Guidelines, 2015. Collection method: clinical testing. Allele origin: germline.
Comment: This variant causes G to T substitution at the -1 position in intron 19 of the CACNA1S gene. Splice site prediction tools suggest that this variant may have a significant impact on RNA splicing. Although this prediction has not been confirmed in published RNA studies, this variant is expected to result in an absent or disrupted protein product. This variant has not been reported in individuals affected with CACNA1S-related disorders in the literature. This variant has not been identified in the general population by the Genome Aggregation Database (gnomAD). Loss of CACNA1S gene function due to haploinsufficiency is not an established disease mechanism for autosomal dominant malignant hyperthermia susceptibility. Therefore, this variant is classified as a Variant of Uncertain Significance.